The following is an entry in ClinVar:

NM_020821.3(VPS13C):c.4380A>G (p.Glu1460=)

Gene: VPS13C (vacuolar protein sorting 13 homolog C; minus strand). Cytogenetic location: 15q22.2.
Variant type: single nucleotide variant.
Coding change: c.4380A>G on transcript NM_020821.3 (MANE Select); coding-DNA position 4380, A replaced by G.
Protein change: p.Glu1460=; no amino-acid change (glutamic acid 1460 retained).
Molecular consequence: synonymous variant.
Genome position (GRCh38, 1-based): chr15:61,951,900, T>C on the plus strand (A>G on the coding strand, the complement: VPS13C is on the minus strand). VCF-style: chr15-61951900-T-C. GRCh37 (hg19) VCF-style: chr15-62244099-T-C.
Other names: c.4380A>G, p.Glu1460= (NM_001018088.3); c.4251A>G, p.Glu1417= (NM_017684.5, NM_018080.4).
Identifiers: ClinVar variation 3389558 (VCV003389558.14).

ClinVar aggregate classification (germline): Likely benign (1 of 4 stars; one submission).

gnomAD v4.1: 2 of 1,613,904 alleles (0.00012%); highest among the groups gnomAD compares: Non-Finnish European, 0.000085%; no homozygotes.

Submission:

CeGaT Center for Human Genetics Tuebingen
Classification: Likely benign. Last evaluated: 2024-09-01. Review status: criteria provided, single submitter. Criteria: CeGaT Center For Human Genetics Tuebingen Variant Classification Criteria Version 2. Collection method: clinical testing. Allele origin: germline. Affected: yes. Observed: 1 variant allele.
Comment: VPS13C: BP4, BP7